The following is an entry in ClinVar:

NM_001017365.3(C4BPB):c.409+8C>A

Gene: C4BPB (complement component 4 binding protein beta; plus strand). Cytogenetic location: 1q32.1.
Variant type: single nucleotide variant.
Coding change: c.409+8C>A on transcript NM_001017365.3 (MANE Select); 8 bases into the intron after coding-DNA position 409, C replaced by A.
Molecular consequence: intron variant.
Genome position (GRCh38, 1-based): chr1:207,091,828, C>A. VCF-style: chr1-207091828-C-A. GRCh37 (hg19) VCF-style: chr1-207265173-C-A.
Other names: NC_000001.10:g.207265173C>A; c.406+8C>A (NM_001017366.3, NM_001017364.1); c.409+8C>A (NM_000716.3, NM_001017367.1).
Identifiers: ClinVar variation 2639869 (VCV002639869.26), dbSNP rs79443414, ClinGen allele CA1367267.
Genomic context (GRCh38, chr1:207,091,828, plus strand): 5'-CCAGTGTCTAGAGGACCACACCTGGGCACCTCCCTTTCCCATCTGCAAAAGTAGTAAGTA[C>A]AAGAGAAACCATCAAGGATCCCCAAAATACTGATTAGTAGTCTAAACTTAGACATTTGCC-3'

ClinVar aggregate classification (germline): Likely benign. Review status: criteria provided, multiple submitters, no conflicts (2 of 4 stars). 2 submissions from 2 submitters: Likely benign (2). Last evaluated 2024-11-06.

Allele frequency attached by ClinVar (database versions not stated): gnomAD 0.00038; TOPMed 0.00047; ExAC 0.00099; 1000 Genomes Project 30x 0.00125; 1000 Genomes Project 0.00140.
gnomAD v4.1: 748 of 1,604,046 alleles (0.047%); highest among the groups gnomAD compares: East Asian, 0.74%; 2 homozygotes.

Submissions (3):

Blueprint Genetics
Classification: Likely benign. Last evaluated: 2024-11-06. Review status: criteria provided, single submitter. Criteria: ACMG Guidelines, 2015. Collection method: clinical testing. Allele origin: germline.

CeGaT Center for Human Genetics Tuebingen
Classification: Likely benign. Last evaluated: 2022-07-01. Review status: criteria provided, single submitter. Criteria: CeGaT Center For Human Genetics Tuebingen Variant Classification Criteria Version 2. Collection method: clinical testing. Allele origin: germline. Affected: yes. Observed: 1 variant allele.
Comment: C4BPB: BP4

Dr. Peter K. Rogan Lab, Western University
No classification provided (evidence only). Condition: Malignant tumor of esophagus. Review status: no classification provided. Collection method: in vitro. Allele origin: not applicable. Functional consequence: retained intron. Not counted in ClinVar's aggregate classification.